The following is an entry in ClinVar:

NM_000264.5(PTCH1):c.905C>G (p.Pro302Arg)

Gene: PTCH1 (patched 1; minus strand). Cytogenetic location: 9q22.32.
Variant type: single nucleotide variant.
Coding change: c.905C>G on transcript NM_000264.5 (MANE Select); coding-DNA position 905, C replaced by G.
Protein change: p.Pro302Arg; replaces proline 302 with arginine.
Molecular consequence: missense variant. On other transcripts: non-coding transcript variant (1).
Genome position (GRCh38, 1-based): chr9:95,480,430, G>C on the plus strand (C>G on the coding strand, the complement: PTCH1 is on the minus strand). VCF-style: chr9-95480430-G-C. GRCh37 (hg19) VCF-style: chr9-98242712-G-C.
Other names: c.707C>G, p.Pro236Arg (NM_001083602.3); c.902C>G, p.Pro301Arg (NM_001083603.3); c.452C>G, p.Pro151Arg (NM_001083604.3, NM_001083605.3, NM_001083606.3 and 1 more transcripts); c.905C>G, p.Pro302Arg (NM_001354918.2); short protein forms P236R, P302R, P151R, P301R.
Identifiers: ClinVar variation 524579 (VCV000524579.19), dbSNP rs1487227339, ClinGen allele CA374113770.
Genomic context (GRCh38, chr9:95,480,430, plus strand): 5'-CGCTCACTGCTGGTACTCACTTTGGTTGAATTTTTGTTGGGGGCTGTGGCGGGGCAGTCT[G>C]GATCGGCCGGATTGAGGCAGGGGCGGTCCATGTAACCATGACCAACCTCAGCCTTATTCA-3'
Protein context (NP_000255.2, residues 292-312): MDRPCLNPAD[Pro302Arg]DCPATAPNKN

ClinVar aggregate classification (germline): Conflicting classifications of pathogenicity. Review status: criteria provided, conflicting classifications (1 of 4 stars). 4 submissions from 4 submitters: Uncertain significance (3); Likely benign (1). Last evaluated 2026-04-20.

Conditions:
Hereditary cancer-predisposing syndrome. Also called: Tumor predisposition; Hereditary neoplastic syndrome; Neoplastic Syndromes, Hereditary; Hereditary Cancer Syndrome. Identifiers: Orphanet 140162, MedGen C0027672, MeSH D009386, MONDO:0015356.
Gorlin syndrome. Also called: Basal cell nevus syndrome; Nevoid Basal Cell Carcinoma Syndrome. Identifiers: Orphanet 377, MedGen C0004779, MONDO:0007187.
Basal cell carcinoma, susceptibility to, 1. Also called: BCC1. Identifiers: MedGen C2751544, MONDO:0011556, OMIM 605462.

Allele frequency attached by ClinVar (database versions not stated): TOPMed 0.00002; gnomAD exomes 0.00001 and 0.00002; gnomAD 0.00001.
gnomAD v4.1: 33 of 1,611,126 alleles (0.002%); highest among the groups gnomAD compares: Non-Finnish European, 0.0028%; no homozygotes.

Submissions (4):

Ambry Genetics
Classification: Uncertain significance for Hereditary cancer-predisposing syndrome. Last evaluated: 2026-04-20. Review status: criteria provided, single submitter. Criteria: Ambry Variant Classification Scheme 2023. Collection method: clinical testing. Allele origin: germline.
Comment: The p.P302R variant (also known as c.905C>G), located in coding exon 6 of the PTCH1 gene, results from a C to G substitution at nucleotide position 905. The proline at codon 302 is replaced by arginine, an amino acid with dissimilar properties. This amino acid position is well conserved in available vertebrate species. In addition, the in silico prediction for this alteration is inconclusive. Since supporting evidence is limited at this time, the clinical significance of this alteration remains unclear.

Labcorp Genetics (formerly Invitae), Labcorp
Classification: Likely benign for Gorlin syndrome. Last evaluated: 2025-10-28. Review status: criteria provided, single submitter. Criteria: Invitae Variant Classification Sherloc (09022015). Collection method: clinical testing. Allele origin: germline.

GeneDx
Classification: Uncertain significance. Last evaluated: 2025-04-09. Review status: criteria provided, single submitter. Criteria: GeneDx Variant Classification Process June 2021. Collection method: clinical testing. Allele origin: germline. Affected: yes.
Comment: Not observed at significant frequency in large population cohorts (gnomAD); In silico analysis supports that this missense variant has a deleterious effect on protein structure/function; Has not been previously published as pathogenic or benign to our knowledge; This variant is associated with the following publications: (PMID: 8906794)

Baylor Genetics
Classification: Uncertain significance for Basal cell carcinoma, susceptibility to, 1. Last evaluated: 2024-01-23. Review status: criteria provided, single submitter. Criteria: ACMG Guidelines, 2015. Collection method: clinical testing. Allele origin: unknown.